The following is an entry in ClinVar:

ClinVar aggregate classification (germline): Uncertain significance (1 of 4 stars; one submission).

gnomAD v4.1: 1 of 1,610,838 alleles (0.000062%); no homozygotes.

Submission:

Dasa
Classification: Uncertain significance. Last evaluated: 2025-10-31. Review status: criteria provided, single submitter. Criteria: DASA Assertion Criteria. Collection method: clinical testing. Allele origin: germline.
Comment: NM_005862.3(STAG1):c.3460A>C (p.Ile1154Leu) is a missense variant that results in the substitution of isoleucine with leucine. This variant is rare in population databases. Computational prediction algorithms are consistent with a benign effect. The currently available literature and clinical evidence are not sufficient to establish a definitive association between this variant and the reported condition. Therefore, this variant is classified as a variant of uncertain significance.

NM_005862.3(STAG1):c.3460A>C (p.Ile1154Leu)

Gene: STAG1 (STAG1 cohesin complex component; minus strand). Cytogenetic location: 3q22.3.
Variant type: single nucleotide variant.
Coding change: c.3460A>C on transcript NM_005862.3 (MANE Select); coding-DNA position 3460, A replaced by C.
Protein change: p.Ile1154Leu; replaces isoleucine 1154 with leucine.
Molecular consequence: missense variant.
Genome position (GRCh38, 1-based): chr3:136,341,538, T>G on the plus strand (A>C on the coding strand, the complement: STAG1 is on the minus strand). VCF-style: chr3-136341538-T-G. GRCh37 (hg19) VCF-style: chr3-136060380-T-G.
Other names: short protein forms I1154L.
Identifiers: ClinVar variation 4885407 (VCV004885407.2).
Genomic context (GRCh38, chr3:136,341,538, plus strand): 5'-TCATTCCTGTTCTGTCCTTCCGATTTAAGTCTTCTAACTTCGGCTGGCCTAACCAAGAGA[T>G]CTGCATCTGAGGACTAAGAGAGGGTACTATTATTAATTTTGTAGCAGCAGATGATGAATT-3'
Protein context (NP_005853.2, residues 1144-1164): PDFLHNPQMQ[Ile1154Leu]SWLGQPKLED